The following is an entry in ClinVar:

ClinVar aggregate classification (germline): Pathogenic (1 of 4 stars; one submission).

Conditions:
Hereditary nonpolyposis colorectal neoplasms. Identifiers: MedGen C0009405, MeSH D003123.

Submission:

Labcorp Genetics (formerly Invitae), Labcorp
Classification: Pathogenic for Hereditary nonpolyposis colorectal neoplasms. Last evaluated: 2021-10-23. Review status: criteria provided, single submitter. Criteria: Invitae Variant Classification Sherloc (09022015). Collection method: clinical testing. Allele origin: germline.
Comment: This variant is a gross deletion of the genomic region encompassing exon(s) 13 of the PMS2 gene. This deletion is out-of-frame, and is expected to create a premature termination codon and result in an absent or disrupted protein product. Loss-of-function variants in PMS2 are known to be pathogenic (PMID: 21376568, 24362816). A similar copy number variant has been observed in individual(s) with PMS2-related conditions (PMID: 23012243, 28135145). For these reasons, this variant has been classified as Pathogenic.

Literature cited by the submitters: PubMed 21376568; PubMed 24362816; PubMed 23012243; PubMed 28135145.

NC_000007.14:g.(?_5978586)_(5978706_?)del

Gene: PMS2 (PMS1 homolog 2, mismatch repair system component; minus strand). Cytogenetic location: 7p22.1.
Variant type: Deletion.
Identifiers: ClinVar variation 832711 (VCV000832711.2).